The following is an entry in ClinVar:

ClinVar aggregate classification (germline): Pathogenic (1 of 4 stars; one submission).

Submission:

Labcorp Genetics (formerly Invitae), Labcorp
Classification: Pathogenic. Last evaluated: 2024-04-07. Review status: criteria provided, single submitter. Criteria: Invitae Variant Classification Sherloc (09022015). Collection method: clinical testing. Allele origin: germline.
Comment: This sequence change creates a premature translational stop signal (p.Trp2465*) in the ADGRV1 gene. It is expected to result in an absent or disrupted protein product. Loss-of-function variants in ADGRV1 are known to be pathogenic (PMID: 19357117, 22135276, 22147658, 26226137, 30718709, 31047384, 32467589). This variant is not present in population databases (gnomAD no frequency). This variant has not been reported in the literature in individuals affected with ADGRV1-related conditions. For these reasons, this variant has been classified as Pathogenic.

Literature cited by the submitters: PubMed 19357117; PubMed 22135276; PubMed 22147658; PubMed 26226137; PubMed 30718709; PubMed 31047384; PubMed 32467589.

NM_032119.4(ADGRV1):c.7394_7395insAAG (p.Trp2465Ter)

Gene: ADGRV1 (adhesion G protein-coupled receptor V1; plus strand). Cytogenetic location: 5q14.3.
Variant type: Insertion.
Coding change: c.7394_7395insAAG on transcript NM_032119.4 (MANE Select); coding-DNA positions 7394 to 7395, AAG inserted.
Protein change: p.Trp2465Ter; replaces tryptophan 2465 with a stop codon.
Molecular consequence: nonsense. On other transcripts: non-coding transcript variant (1).
Genome position: GRCh38 VCF-style: chr5-90694149-T-TGAA. GRCh37 (hg19) VCF-style: chr5-89989966-T-TGAA.
Other names: short protein forms W2465*.
Identifiers: ClinVar variation 3649112 (VCV003649112.2).